The following is an entry in ClinVar:

NM_001909.5(CTSD):c.478T>C (p.Cys160Arg)

Gene: CTSD (cathepsin D; minus strand). Cytogenetic location: 11p15.5.
Variant type: single nucleotide variant.
Coding change: c.478T>C on transcript NM_001909.5 (MANE Select); coding-DNA position 478, T replaced by C.
Protein change: p.Cys160Arg; replaces cysteine 160 with arginine.
Molecular consequence: missense variant.
Genome position (GRCh38, 1-based): chr11:1,757,550, A>G on the plus strand (T>C on the coding strand, the complement: CTSD is on the minus strand). VCF-style: chr11-1757550-A-G. GRCh37 (hg19) VCF-style: chr11-1778780-A-G.
Other names: short protein forms C160R.
Identifiers: ClinVar variation 953705 (VCV000953705.9), dbSNP rs1845825044, ClinGen allele CA379096295.

ClinVar aggregate classification (germline): Uncertain significance (1 of 4 stars; one submission).

Conditions:
Neuronal ceroid lipofuscinosis. Also called: Neuronal Ceroid Lipofuscinoses. Identifiers: Orphanet 216, Orphanet 79263, MedGen C0027877, MONDO:0016295. Disease mechanism: loss of function.

Submission:

Labcorp Genetics (formerly Invitae), Labcorp
Classification: Uncertain significance for Neuronal ceroid lipofuscinosis. Last evaluated: 2019-09-01. Review status: criteria provided, single submitter. Criteria: Invitae Variant Classification Sherloc (09022015). Collection method: clinical testing. Allele origin: germline.
Comment: This variant is not present in population databases (ExAC no frequency). In summary, the available evidence is currently insufficient to determine the role of this variant in disease. Therefore, it has been classified as a Variant of Uncertain Significance. Algorithms developed to predict the effect of missense changes on protein structure and function are either unavailable or do not agree on the potential impact of this missense change (SIFT: "Deleterious"; PolyPhen-2: "Possibly Damaging"; Align-GVGD: "Class C0"). This variant has not been reported in the literature in individuals with CTSD-related conditions. This sequence change replaces cysteine with arginine at codon 160 of the CTSD protein (p.Cys160Arg). The cysteine residue is moderately conserved and there is a large physicochemical difference between cysteine and arginine.